The following is an entry in ClinVar:

NM_004086.3(COCH):c.1250C>T (p.Thr417Met)

Genes: COCH (cochlin; plus strand), COCH-AS1 (COCH antisense RNA 1; minus strand). Cytogenetic location: 14q12.
Variant type: single nucleotide variant.
Coding change: c.1250C>T on transcript NM_004086.3 (MANE Select); coding-DNA position 1250, C replaced by T.
Protein change: p.Thr417Met; replaces threonine 417 with methionine.
Molecular consequence: missense variant. On other transcripts: non-coding transcript variant (1).
Genome position (GRCh38, 1-based): chr14:30,886,085, C>T. VCF-style: chr14-30886085-C-T. GRCh37 (hg19) VCF-style: chr14-31355291-C-T.
Other names: c.1250C>T, p.Thr417Met (NM_001135058.2); c.1445C>T, p.Thr482Met (NM_001347720.2); short protein forms T417M, T482M.
Identifiers: ClinVar variation 4989555 (VCV004989555.1).

ClinVar aggregate classification (germline): Uncertain significance (1 of 4 stars; one submission).

Conditions:
COCH-related disorder. Also called: COCH-related condition.

gnomAD v4.1: 30 of 1,614,200 alleles (0.0019%); highest among the groups gnomAD compares: South Asian, 0.0055%; no homozygotes.

Submission:

PreventionGenetics, part of Exact Sciences
Classification: Uncertain significance for COCH-related condition. Last evaluated: 2026-09-18. Review status: criteria provided, single submitter. Criteria: ACMG Guidelines, 2015. Collection method: clinical testing. Allele origin: germline.
Comment: The COCH c.1250C>T variant is predicted to result in the amino acid substitution p.Thr417Met. To our knowledge, this variant has not been reported in the literature. This variant is reported in 0.0065% of alleles in individuals of South Asian descent in gnomAD. At this time, the clinical significance of this variant is uncertain due to the absence of conclusive functional and genetic evidence.